The following is an entry in ClinVar:

NM_002661.5(PLCG2):c.692+7C>T

Gene: PLCG2 (phospholipase C gamma 2; plus strand). Cytogenetic location: 16q23.3.
Variant type: single nucleotide variant.
Coding change: c.692+7C>T on transcript NM_002661.5 (MANE Select); 7 bases into the intron after coding-DNA position 692, C replaced by T.
Molecular consequence: intron variant.
Genome position (GRCh38, 1-based): chr16:81,880,960, C>T. VCF-style: chr16-81880960-C-T. GRCh37 (hg19) VCF-style: chr16-81914565-C-T.
Identifiers: ClinVar variation 1046357 (VCV001046357.11), dbSNP rs773842088, ClinGen allele CA8193357.

ClinVar aggregate classification (germline): Uncertain significance. Review status: criteria provided, multiple submitters, no conflicts (2 of 4 stars). 3 submissions from 3 submitters: Uncertain significance (3). Last evaluated 2021-12-29.

Conditions:
Familial cold autoinflammatory syndrome 3 (FCAS3). Also called: FAMILIAL ATYPICAL COLD URTICARIA; ANTIBODY DEFICIENCY AND IMMUNE DYSREGULATION, PLCG2-ASSOCIATED. Identifiers: Orphanet 300359, MedGen C3280914, MONDO:0013766, OMIM 614468.
Autoinflammation-PLCG2-associated antibody deficiency-immune dysregulation. Also called: Autoinflammation, antibody deficiency, and immune dysregulation syndrome; Autoinflammation, antibody deficiency, and immune dysregulation, plcg2-associated; AUTOINFLAMMATION, ANTIBODY DEFICIENCY, AND IMMUNE DYSREGULATION. Identifiers: Orphanet 324530, MedGen C3553961, MONDO:0013944, OMIM 614878.

Allele frequency attached by ClinVar (database versions not stated): ExAC 0.00001; gnomAD exomes 0.00001; TOPMed 0.00002.
gnomAD v4.1: 13 of 1,613,884 alleles (0.00081%); highest among the groups gnomAD compares: Middle Eastern, 0.016%; no homozygotes.

Submissions (3):

Fulgent Genetics
Classification: Uncertain significance for Familial cold autoinflammatory syndrome 3; Autoinflammation-PLCG2-associated antibody deficiency-immune dysregulation. Last evaluated: 2021-12-29. Review status: criteria provided, single submitter. Criteria: ACMG Guidelines, 2015. Collection method: clinical testing. Allele origin: unknown.

Labcorp Genetics (formerly Invitae), Labcorp
Classification: Uncertain significance for Familial cold autoinflammatory syndrome 3. Last evaluated: 2020-04-14. Review status: criteria provided, single submitter. Criteria: Invitae Variant Classification Sherloc (09022015). Collection method: clinical testing. Allele origin: germline.
Comment: This sequence change falls in intron 8 of the PLCG2 gene. It does not directly change the encoded amino acid sequence of the PLCG2 protein. This variant is present in population databases (rs773842088, ExAC 0.001%). This variant has not been reported in the literature in individuals with PLCG2-related conditions. Algorithms developed to predict the effect of sequence changes on RNA splicing suggest that this variant may create or strengthen a splice site, but this prediction has not been confirmed by published transcriptional studies. In summary, the available evidence is currently insufficient to determine the role of this variant in disease. Therefore, it has been classified as a Variant of Uncertain Significance.

Breakthrough Genomics
Classification: Uncertain significance. Review status: criteria provided, single submitter. Criteria: ACMG Guidelines, 2015. Collection method: not provided. Allele origin: germline. Inheritance: Autosomal dominant inheritance. Affected: yes.